The following is an entry in ClinVar:

ClinVar aggregate classification (germline): Benign (3 of 4 stars; one submission).

Conditions:
Breast-ovarian cancer, familial, susceptibility to, 1 (BROVCA1). Also called: BRCA1 Hereditary Breast and Ovarian Cancer; OVARIAN CANCER, SUSCEPTIBILITY TO. Identifiers: Orphanet 145, MedGen C2676676, MONDO:0011450, OMIM 604370. Disease mechanism: loss of function.

Allele frequency attached by ClinVar (database versions not stated): gnomAD 0.00002 and 0.00060; TOPMed 0.00009; 1000 Genomes Project 30x 0.00562; 1000 Genomes Project 0.00599.
gnomAD v4.1: 90 of 152,344 alleles (0.059%); highest among the groups gnomAD compares: South Asian, 1.8%; 4 homozygotes.

Submission:

Evidence-based Network for the Interpretation of Germline Mutant Alleles (ENIGMA)
Classification: Benign for Breast-ovarian cancer, familial, susceptibility to, 1. Last evaluated: 2016-09-28. Review status: reviewed by expert panel. Criteria: ENIGMA BRCA1/2 Classification Criteria (2015). Collection method: curation. Allele origin: germline.
Comment: Class 1 not pathogenic based on frequency >1% in an outbred sampleset. Frequency 0.0307 (South Asian), derived from 1000 genomes (2013-05-02).

NM_007294.4(BRCA1):c.81-508A>C

Gene: BRCA1 (BRCA1 DNA repair associated; minus strand). Cytogenetic location: 17q21.31.
Variant type: single nucleotide variant.
Coding change: c.81-508A>C on transcript NM_007294.4 (MANE Select); 508 bases into the intron before coding-DNA position 81, A replaced by C.
Molecular consequence: intron variant.
Genome position (GRCh38, 1-based): chr17:43,116,287, T>G on the plus strand (A>C on the coding strand, the complement: BRCA1 is on the minus strand). VCF-style: chr17-43116287-T-G. GRCh37 (hg19) VCF-style: chr17-41268304-T-G.
Other names: c.-61-508A>C (NM_001407934.1, NM_001408497.1, NM_001408505.1 and 47 more transcripts); c.81-508A>C (NM_001407973.1, NM_001407596.1, NM_001408495.1 and 191 more transcripts); c.-219+8984A>C (NM_001407966.1); c.-170+8984A>C (NM_001407963.1); c.-8+8984A>C (NM_001408511.1, NM_001408457.1, NM_001407692.1); c.-223-508A>C (NM_001407960.1, NM_001407962.1, NM_001408512.1 and 1 more transcripts); c.-108-508A>C (NM_001407899.1, NM_001408507.1, NM_001407958.1 and 52 more transcripts); c.-8+7730A>C (NM_001407936.1, NM_001407849.1, NM_001407845.1 and 23 more transcripts); and 11 more.
Identifiers: ClinVar variation 264841 (VCV000264841.2), dbSNP rs562162183, ClinGen allele CA10588258.